The following is an entry in ClinVar:

NM_005476.7(GNE):c.1816+4G>T

Gene: GNE (glucosamine (UDP-N-acetyl)-2-epimerase/N-acetylmannosamine kinase; minus strand). Cytogenetic location: 9p13.3.
Variant type: single nucleotide variant.
Coding change: c.1816+4G>T on transcript NM_005476.7 (MANE Select); 4 bases into the intron after coding-DNA position 1816, G replaced by T.
Molecular consequence: intron variant.
Genome position (GRCh38, 1-based): chr9:36,219,834, C>A on the plus strand (G>T on the coding strand, the complement: GNE is on the minus strand). VCF-style: chr9-36219834-C-A. GRCh37 (hg19) VCF-style: chr9-36219831-C-A.
Other names: c.1639+4G>T (NM_001190388.2, NM_001374798.1); c.1909+4G>T (NM_001128227.3); c.1486+4G>T (NM_001190384.3); c.1663+4G>T (NM_001374797.1); c.1594+4G>T (NM_001190383.3).
Identifiers: ClinVar variation 2924526 (VCV002924526.2), dbSNP rs760700813, ClinGen allele CA863603925.
Genomic context (GRCh38, chr9:36,219,834, plus strand): 5'-ATTTCCACTTTGAAGTACTTGTCTACTATTTGGTTACTTAATTCCTCGAGAGAGGGACAC[C>A]AACCATCATGGAGCTTTTTTGCCTCCCTCTGCAAGGCCATTCCAGAGGCGTATGCTTCAA-3'

ClinVar aggregate classification (germline): Uncertain significance (1 of 4 stars; one submission).

Conditions:
GNE myopathy (NM). Also called: NONAKA DISTAL MYOPATHY; MYOPATHY, DISTAL, WITH OR WITHOUT RIMMED VACUOLES; INCLUSION BODY MYOPATHY, HEREDITARY, AUTOSOMAL RECESSIVE; INCLUSION BODY MYOPATHY 2, AUTOSOMAL RECESSIVE; IBM 2; Inclusion body myopathy autosomal recessive. Identifiers: Orphanet 602, MedGen C1853926, MONDO:0011603, OMIM 605820.
Sialuria. Also called: SIALURIA, FRENCH TYPE; Sialic Acid Storage Disease. Identifiers: Orphanet 3166, MedGen C0342853, MONDO:0010028, OMIM 269921.

gnomAD v4.1: 10 of 1,613,064 alleles (0.00062%); highest among the groups gnomAD compares: South Asian, 0.0011%; 1 homozygote.

Submission:

Labcorp Genetics (formerly Invitae), Labcorp
Classification: Uncertain significance for Sialuria; GNE myopathy. Last evaluated: 2023-06-22. Review status: criteria provided, single submitter. Criteria: Invitae Variant Classification Sherloc (09022015). Collection method: clinical testing. Allele origin: germline.
Comment: This variant has not been reported in the literature in individuals affected with GNE-related conditions. This sequence change falls in intron 10 of the GNE gene. It does not directly change the encoded amino acid sequence of the GNE protein. It affects a nucleotide within the consensus splice site. This variant is not present in population databases (gnomAD no frequency). Variants that disrupt the consensus splice site are a relatively common cause of aberrant splicing (PMID: 17576681, 9536098). Algorithms developed to predict the effect of sequence changes on RNA splicing suggest that this variant is not likely to affect RNA splicing. In summary, the available evidence is currently insufficient to determine the role of this variant in disease. Therefore, it has been classified as a Variant of Uncertain Significance.

Literature cited by the submitters: PubMed 17576681; PubMed 9536098.